The following is an entry in ClinVar:

ClinVar aggregate classification (germline): Likely benign. Review status: criteria provided, multiple submitters, no conflicts (2 of 4 stars). 4 submissions from 4 submitters: Likely benign (4). Last evaluated 2026-01-19.

Conditions:
Hereditary cancer-predisposing syndrome. Also called: Neoplastic Syndromes, Hereditary; Hereditary Cancer Syndrome; Tumor predisposition; Hereditary neoplastic syndrome. Identifiers: Orphanet 140162, MedGen C0027672, MeSH D009386, MONDO:0015356.
Gorlin syndrome. Also called: Nevoid Basal Cell Carcinoma Syndrome; Basal cell nevus syndrome. Identifiers: Orphanet 377, MedGen C0004779, MONDO:0007187.
PTCH1-related disorder. Also called: PTCH1-related disorders; PTCH1-related condition.

Allele frequency attached by ClinVar (database versions not stated): gnomAD exomes 0.00001 and 0.00003; ExAC 0.00005; gnomAD 0.00013 and 0.00015; ESP Exome Variant Server 0.00015; TOPMed 0.00015.
gnomAD v4.1: 40 of 1,611,880 alleles (0.0025%); highest among the groups gnomAD compares: African/African-American, 0.049%; no homozygotes.

Submissions (4):

Labcorp Genetics (formerly Invitae), Labcorp
Classification: Likely benign for Gorlin syndrome. Last evaluated: 2026-01-19. Review status: criteria provided, single submitter. Criteria: Invitae Variant Classification Sherloc (09022015). Collection method: clinical testing. Allele origin: germline.

PreventionGenetics, part of Exact Sciences
Classification: Likely benign for PTCH1-related condition. Last evaluated: 2025-11-02. Review status: criteria provided, single submitter. Criteria: ACMG Guidelines, 2015. Collection method: clinical testing. Allele origin: germline.
Comment: This variant is classified as likely benign based on ACMG/AMP sequence variant interpretation guidelines (Richards et al. 2015 PMID: 25741868, with internal and published modifications).

Quest Diagnostics Nichols Institute San Juan Capistrano
Classification: Likely benign. Last evaluated: 2022-12-14. Review status: criteria provided, single submitter. Criteria: Quest Diagnostics criteria. Collection method: clinical testing. Allele origin: unknown.

Ambry Genetics
Classification: Likely benign for Hereditary cancer-predisposing syndrome. Last evaluated: 2017-07-07. Review status: criteria provided, single submitter. Criteria: Ambry Variant Classification Scheme 2023. Collection method: clinical testing. Allele origin: germline.

NM_000264.5(PTCH1):c.147T>C (p.Tyr49=)

Genes: PTCH1 (patched 1; minus strand), LOC130002133 (ATAC-STARR-seq lymphoblastoid silent region 20071; plus strand). Cytogenetic location: 9q22.32.
Variant type: single nucleotide variant.
Coding change: c.147T>C on transcript NM_000264.5 (MANE Select); coding-DNA position 147, T replaced by C.
Protein change: p.Tyr49=; no amino-acid change (tyrosine 49 retained).
Molecular consequence: synonymous variant. On other transcripts: non-coding transcript variant (1), intron variant (3).
Genome position (GRCh38, 1-based): chr9:95,508,215, A>G on the plus strand (T>C on the coding strand, the complement: PTCH1 is on the minus strand). VCF-style: chr9-95508215-A-G. GRCh37 (hg19) VCF-style: chr9-98270497-A-G.
Other names: c.147T>C, p.Tyr49= (NM_001354918.2); c.199-1616T>C (NM_001083603.3); c.4-1616T>C (NM_001083602.3, NM_001354919.2); c.147T>C (NM_000264.4).
Identifiers: ClinVar variation 486179 (VCV000486179.18), dbSNP rs141976046, ClinGen allele CA5139036.